The following is an entry in ClinVar:

ClinVar aggregate classification (germline): Likely benign (1 of 4 stars; one submission).

Submission:

GeneDx
Classification: Likely benign. Last evaluated: 2018-02-16. Review status: criteria provided, single submitter. Criteria: GeneDx Variant Classification (06012015). Collection method: clinical testing. Allele origin: germline. Affected: yes.
Comment: This variant is considered likely benign or benign based on one or more of the following criteria: it is a conservative change, it occurs at a poorly conserved position in the protein, it is predicted to be benign by multiple in silico algorithms, and/or has population frequency not consistent with disease.

NM_003289.4(TPM2):c.493-7C>A

Gene: TPM2 (tropomyosin 2; minus strand). Cytogenetic location: 9p13.3.
Variant type: single nucleotide variant.
Coding change: c.493-7C>A on transcript NM_003289.4 (MANE Select); 7 bases into the intron before coding-DNA position 493, C replaced by A.
Molecular consequence: intron variant.
Genome position (GRCh38, 1-based): chr9:35,685,346, G>T on the plus strand (C>A on the coding strand, the complement: TPM2 is on the minus strand). VCF-style: chr9-35685346-G-T. GRCh37 (hg19) VCF-style: chr9-35685343-G-T.
Other names: c.493-7C>A (NM_213674.1, NM_001301226.2, NM_001301227.2).
Identifiers: ClinVar variation 515424 (VCV000515424.1), dbSNP rs1554658928, ClinGen allele CA658797204.